The following is an entry in ClinVar:

NM_000368.5(TSC1):c.847G>T (p.Ala283Ser)

Gene: TSC1 (TSC complex subunit 1; minus strand). Cytogenetic location: 9q34.13.
Variant type: single nucleotide variant.
Coding change: c.847G>T on transcript NM_000368.5 (MANE Select); coding-DNA position 847, G replaced by T.
Protein change: p.Ala283Ser; replaces alanine 283 with serine.
Molecular consequence: missense variant. On other transcripts: 5 prime UTR variant (5), non-coding transcript variant (5).
Genome position (GRCh38, 1-based): chr9:132,912,348, C>A on the plus strand (G>T on the coding strand, the complement: TSC1 is on the minus strand). VCF-style: chr9-132912348-C-A. GRCh37 (hg19) VCF-style: chr9-135787735-C-A.
Other names: c.847G>T, p.Ala283Ser (NM_001406606.1, NM_001406607.1, NM_001406608.1 and 16 more transcripts); c.694G>T, p.Ala232Ser (NM_001406610.1, NM_001406611.1, NM_001406612.1 and 2 more transcripts); c.484G>T, p.Ala162Ser (NM_001406614.1, NM_001406625.1, NM_001406615.1 and 10 more transcripts); c.-105G>T (NM_001406626.1, NM_001406627.1, NM_001406628.1); c.-247G>T (NM_001406629.1, NM_001406630.1); short protein forms A283S, A162S, A232S.
Identifiers: ClinVar variation 4844229 (VCV004844229.1).

ClinVar aggregate classification (germline): Uncertain significance (1 of 4 stars; one submission).

Conditions:
Hereditary cancer-predisposing syndrome. Also called: Neoplastic Syndromes, Hereditary; Tumor predisposition; Hereditary Cancer Syndrome; Hereditary neoplastic syndrome. Identifiers: Orphanet 140162, MedGen C0027672, MeSH D009386, MONDO:0015356.

Submission:

Ambry Genetics
Classification: Uncertain significance for Hereditary cancer-predisposing syndrome. Last evaluated: 2026-03-03. Review status: criteria provided, single submitter. Criteria: Ambry Variant Classification Scheme 2023. Collection method: clinical testing. Allele origin: germline.
Comment: The p.A283S variant (also known as c.847G>T), located in coding exon 7 of the TSC1 gene, results from a G to T substitution at nucleotide position 847. The alanine at codon 283 is replaced by serine, an amino acid with similar properties. This amino acid position is not well conserved in available vertebrate species. In addition, this alteration is predicted to be tolerated by in silico analysis. Based on the available evidence, the clinical significance of this variant remains unclear.